The following is an entry in ClinVar:

ClinVar aggregate classification (germline): Uncertain significance. Review status: criteria provided, multiple submitters, no conflicts (2 of 4 stars). 2 submissions from 2 submitters: Uncertain significance (2). Last evaluated 2024-10-24.

Allele frequency attached by ClinVar (database versions not stated): gnomAD exomes below 0.00001; gnomAD 0.00001; TOPMed 0.00001.
gnomAD v4.1: 6 of 1,613,680 alleles (0.00037%); highest among the groups gnomAD compares: East Asian, 0.0045%; no homozygotes.

Submissions (2):

Blueprint Genetics
Classification: Uncertain significance. Last evaluated: 2024-10-24. Review status: criteria provided, single submitter. Criteria: ACMG Guidelines, 2015. Collection method: clinical testing. Allele origin: germline.

Labcorp Genetics (formerly Invitae), Labcorp
Classification: Uncertain significance. Last evaluated: 2021-12-08. Review status: criteria provided, single submitter. Criteria: Invitae Variant Classification Sherloc (09022015). Collection method: clinical testing. Allele origin: germline.
Comment: This sequence change replaces arginine, which is basic and polar, with tryptophan, which is neutral and slightly polar, at codon 631 of the ARHGEF18 protein (p.Arg631Trp). This variant is not present in population databases (gnomAD no frequency). This variant has not been reported in the literature in individuals affected with ARHGEF18-related conditions. Algorithms developed to predict the effect of missense changes on protein structure and function (SIFT, PolyPhen-2, Align-GVGD) all suggest that this variant is likely to be disruptive. In summary, the available evidence is currently insufficient to determine the role of this variant in disease. Therefore, it has been classified as a Variant of Uncertain Significance.

NM_001367823.1(ARHGEF18):c.2455C>T (p.Arg819Trp)

Gene: ARHGEF18 (Rho/Rac guanine nucleotide exchange factor 18; plus strand). Cytogenetic location: 19p13.2.
Variant type: single nucleotide variant.
Coding change: c.2455C>T on transcript NM_001367823.1 (MANE Select); coding-DNA position 2455, C replaced by T.
Protein change: p.Arg819Trp; replaces arginine 819 with tryptophan.
Molecular consequence: missense variant.
Genome position (GRCh38, 1-based): chr19:7,462,154, C>T. VCF-style: chr19-7462154-C-T. GRCh37 (hg19) VCF-style: chr19-7527040-C-T.
Other names: c.1729C>T, p.Arg577Trp (NM_001130955.2); c.1417C>T, p.Arg473Trp (NM_001367824.1, NM_015318.4); short protein forms R577W, R473W, R819W.
Identifiers: ClinVar variation 1951050 (VCV001951050.6), dbSNP rs532220710, ClinGen allele CA304853694.